The following is an entry in ClinVar:

NM_000337.6(SGCD):c.265C>G (p.Leu89Val)

Gene: SGCD (sarcoglycan delta; plus strand). Cytogenetic location: 5q33.3.
Variant type: single nucleotide variant.
Coding change: c.265C>G on transcript NM_000337.6 (MANE Select); coding-DNA position 265, C replaced by G.
Protein change: p.Leu89Val; replaces leucine 89 with valine.
Molecular consequence: missense variant.
Genome position (GRCh38, 1-based): chr5:156,508,673, C>G. VCF-style: chr5-156508673-C-G. GRCh37 (hg19) VCF-style: chr5-155935683-C-G.
Other names: c.262C>G, p.Leu88Val (NM_001128209.2); c.265C>G, p.Leu89Val (NM_172244.3); short protein forms L88V, L89V.
Identifiers: ClinVar variation 1059777 (VCV001059777.4), dbSNP rs754342073, ClinGen allele CA3530544.

ClinVar aggregate classification (germline): Uncertain significance (1 of 4 stars; one submission).

Conditions:
Autosomal recessive limb-girdle muscular dystrophy type 2F (LGMDR6). Also called: MUSCULAR DYSTROPHY, LIMB-GIRDLE, AUTOSOMAL RECESSIVE 6; Muscular dystrophy limb-girdle with delta-sarcoglyan deficiency. Identifiers: Orphanet 219, MedGen C1832525, MONDO:0011028, OMIM 601287. Disease mechanism: Affects gamma-sarcoglycan and also disrupts the integrity of the entire sarcoglycan complex..

Allele frequency attached by ClinVar (database versions not stated): gnomAD exomes below 0.00001; ExAC 0.00001.

Submission:

Labcorp Genetics (formerly Invitae), Labcorp
Classification: Uncertain significance for Autosomal recessive limb-girdle muscular dystrophy type 2F. Last evaluated: 2022-07-25. Review status: criteria provided, single submitter. Criteria: Invitae Variant Classification Sherloc (09022015). Collection method: clinical testing. Allele origin: germline.
Comment: This sequence change replaces leucine, which is neutral and non-polar, with valine, which is neutral and non-polar, at codon 89 of the SGCD protein (p.Leu89Val). This variant is present in population databases (rs754342073, gnomAD no frequency). This variant has not been reported in the literature in individuals affected with SGCD-related conditions. ClinVar contains an entry for this variant (Variation ID: 1059777). Algorithms developed to predict the effect of missense changes on protein structure and function are either unavailable or do not agree on the potential impact of this missense change (SIFT: "Tolerated"; PolyPhen-2: "Possibly Damaging"; Align-GVGD: "Class C0"). In summary, the available evidence is currently insufficient to determine the role of this variant in disease. Therefore, it has been classified as a Variant of Uncertain Significance.